The following is an entry in ClinVar:

ClinVar aggregate classification (germline): Pathogenic/Likely pathogenic. Review status: criteria provided, multiple submitters, no conflicts (2 of 4 stars). 3 submissions from 3 submitters: Pathogenic (1); Likely pathogenic (1). 1 of the submissions does not count toward it. Last evaluated 2024-02-12.

Conditions:
Hermansky-Pudlak syndrome 6 (HPS6). Identifiers: Orphanet 231512, Orphanet 79430, MedGen C3888007, MONDO:0013558, OMIM 614075.

Allele frequency attached by ClinVar (database versions not stated): gnomAD exomes below 0.00001; gnomAD 0.00001.
gnomAD v4.1: 7 of 1,613,810 alleles (0.00043%); highest among the groups gnomAD compares: Non-Finnish European, 0.00042%; no homozygotes.

Submissions (3):

Fulgent Genetics
Classification: Likely pathogenic for Hermansky-Pudlak syndrome 6. Last evaluated: 2024-02-12. Review status: criteria provided, single submitter. Criteria: ACMG Guidelines, 2015. Collection method: clinical testing. Allele origin: germline.

Labcorp Genetics (formerly Invitae), Labcorp
Classification: Pathogenic. Last evaluated: 2023-03-08. Review status: criteria provided, single submitter. Criteria: Invitae Variant Classification Sherloc (09022015). Collection method: clinical testing. Allele origin: germline.
Comment: ClinVar contains an entry for this variant (Variation ID: 30677). This premature translational stop signal has been observed in individual(s) with Hermansky-Pudlak syndrome (PMID: 19843503). This variant is present in population databases (rs281865112, gnomAD 0.0008%). This sequence change creates a premature translational stop signal (p.Gln412*) in the HPS6 gene. While this is not anticipated to result in nonsense mediated decay, it is expected to disrupt the last 364 amino acid(s) of the HPS6 protein. This variant disrupts a region of the HPS6 protein in which other variant(s) (p.Gln680*) have been determined to be pathogenic (PMID: 27225848). This suggests that this is a clinically significant region of the protein, and that variants that disrupt it are likely to be disease-causing. For these reasons, this variant has been classified as Pathogenic.

OMIM
Classification: Pathogenic for HERMANSKY-PUDLAK SYNDROME 6. Last evaluated: 2009-12-01. Review status: no assertion criteria provided. Collection method: literature only. Allele origin: germline. Not counted in ClinVar's aggregate classification.

Literature cited by the submitters: PubMed 19843503 (cited by Labcorp Genetics (formerly Invitae), Labcorp and OMIM); PubMed 27225848 (cited by Labcorp Genetics (formerly Invitae), Labcorp).

NM_024747.6(HPS6):c.1234C>T (p.Gln412Ter)

Gene: HPS6 (HPS6 biogenesis of lysosomal organelles complex 2 subunit 3; plus strand). Cytogenetic location: 10q24.32.
Variant type: single nucleotide variant.
Coding change: c.1234C>T on transcript NM_024747.6 (MANE Select); coding-DNA position 1234, C replaced by T.
Protein change: p.Gln412Ter; replaces glutamine 412 with a stop codon.
Molecular consequence: nonsense.
Genome position (GRCh38, 1-based): chr10:102,066,708, C>T. VCF-style: chr10-102066708-C-T. GRCh37 (hg19) VCF-style: chr10-103826465-C-T.
Other names: short protein forms Q412*.
Identifiers: ClinVar variation 30677 (VCV000030677.6), dbSNP rs281865112, ClinGen allele CA259889.